The following is an entry in ClinVar:

ClinVar aggregate classification (germline): Uncertain significance (1 of 4 stars; one submission).

Conditions:
TP63-Related Spectrum Disorders.

Allele frequency attached by ClinVar (database versions not stated): gnomAD exomes below 0.00001.
gnomAD v4.1: 1 of 1,613,920 alleles (0.000062%); highest among the groups gnomAD compares: African/African-American, 0.0013%; no homozygotes.

Submission:

Labcorp Genetics (formerly Invitae), Labcorp
Classification: Uncertain significance. Last evaluated: 2023-09-23. Review status: criteria provided, single submitter. Criteria: Invitae Variant Classification Sherloc (09022015). Collection method: clinical testing. Allele origin: germline.
Comment: This sequence change replaces histidine, which is basic and polar, with tyrosine, which is neutral and polar, at codon 615 of the TP63 protein (p.His615Tyr). In summary, the available evidence is currently insufficient to determine the role of this variant in disease. Therefore, it has been classified as a Variant of Uncertain Significance. Advanced modeling of protein sequence and biophysical properties (such as structural, functional, and spatial information, amino acid conservation, physicochemical variation, residue mobility, and thermodynamic stability) has been performed at Invitae for this missense variant, however the output from this modeling did not meet the statistical confidence thresholds required to predict the impact of this variant on TP63 protein function. This variant has not been reported in the literature in individuals affected with TP63-related conditions. This variant is not present in population databases (gnomAD no frequency).

NM_003722.5(TP63):c.1843C>T (p.His615Tyr)

Gene: TP63 (tumor protein p63; plus strand). Cytogenetic location: 3q28.
Variant type: single nucleotide variant.
Coding change: c.1843C>T on transcript NM_003722.5 (MANE Select); coding-DNA position 1843, C replaced by T.
Protein change: p.His615Tyr; replaces histidine 615 with tyrosine.
Molecular consequence: missense variant. On other transcripts: 3 prime UTR variant (6).
Genome position (GRCh38, 1-based): chr3:189,894,302, C>T. VCF-style: chr3-189894302-C-T. GRCh37 (hg19) VCF-style: chr3-189612091-C-T.
Other names: c.*81C>T (NM_001114978.2, NM_001114981.2); c.1561C>T, p.His521Tyr (NM_001114980.2); c.*71C>T (NM_001329144.2, NM_001329145.2, NM_001329149.2 and 1 more transcripts); c.1306C>T, p.His436Tyr (NM_001329146.2); c.1831C>T, p.His611Tyr (NM_001329148.2); c.1837C>T, p.His613Tyr (NM_001329964.2); short protein forms H436Y, H521Y, H613Y, H611Y, H615Y.
Identifiers: ClinVar variation 2715644 (VCV002715644.2), dbSNP rs2108873600, ClinGen allele CA355751321.